The following is an entry in ClinVar:

ClinVar aggregate classification (germline): Benign (0 of 4 stars; one submission).

Conditions:
PXDNL-related disorder. Also called: PXDNL-related condition.

Allele frequency attached by ClinVar (database versions not stated): ExAC 0.14441; 1000 Genomes Project 0.15315; ESP Exome Variant Server 0.15526; TOPMed 0.15718; gnomAD 0.15897; 1000 Genomes Project 30x 0.15928.
gnomAD v4.1: 218,960 of 1,613,528 alleles (14%); highest among the groups gnomAD compares: African/African-American, 23%; 15,896 homozygotes.

Submission:

PreventionGenetics, part of Exact Sciences
Classification: Benign for PXDNL-related condition. Last evaluated: 2019-12-09. Review status: no assertion criteria provided. Collection method: clinical testing. Allele origin: germline.
Comment: This variant is classified as benign based on ACMG/AMP sequence variant interpretation guidelines (Richards et al. 2015 PMID: 25741868, with internal and published modifications).

NM_144651.5(PXDNL):c.1028T>C (p.Ile343Thr)

Gene: PXDNL (peroxidasin like; minus strand). Cytogenetic location: 8q11.22.
Variant type: single nucleotide variant.
Coding change: c.1028T>C on transcript NM_144651.5 (MANE Select); coding-DNA position 1028, T replaced by C.
Protein change: p.Ile343Thr; replaces isoleucine 343 with threonine.
Molecular consequence: missense variant.
Genome position (GRCh38, 1-based): chr8:51,453,740, A>G on the plus strand (T>C on the coding strand, the complement: PXDNL is on the minus strand). VCF-style: chr8-51453740-A-G. GRCh37 (hg19) VCF-style: chr8-52366300-A-G.
Other names: short protein forms I343T.
Identifiers: ClinVar variation 3059483 (VCV003059483.2), dbSNP rs7833909, ClinGen allele CA4745453.